The following is an entry in ClinVar:

NC_000008.10:g.(?_134292465)_(134296564_?)del

Gene: NDRG1 (N-myc downstream regulated 1; minus strand). Cytogenetic location: 8q24.22.
Variant type: Deletion.
Identifiers: ClinVar variation 1453631 (VCV001453631.4).

ClinVar aggregate classification (germline): Pathogenic (1 of 4 stars; one submission).

Conditions:
Charcot-Marie-Tooth disease type 4. Also called: Charcot-Marie-Tooth disease, type IV; Charcot-Marie-Tooth, Type 4. Identifiers: Orphanet 64749, MedGen C4082197, MONDO:0018995.

Submission:

Labcorp Genetics (formerly Invitae), Labcorp
Classification: Pathogenic for Charcot-Marie-Tooth disease type 4. Last evaluated: 2021-10-12. Review status: criteria provided, single submitter. Criteria: Invitae Variant Classification Sherloc (09022015). Collection method: clinical testing. Allele origin: germline.
Comment: For these reasons, this variant has been classified as Pathogenic. This variant has not been reported in the literature in individuals affected with NDRG1-related conditions. This variant is a gross deletion of the genomic region encompassing exon(s) 2-3 of the NDRG1 gene, which includes the initiator codon. This deletion extends beyond the assayed region for this gene and therefore may encompass additional genes. It is expected to result in an absent or disrupted protein product. Loss-of-function variants in NDRG1 are known to be pathogenic (PMID: 12872253, 23996628).

Literature cited by the submitters: PubMed 12872253; PubMed 23996628.